The following is an entry in ClinVar:

ClinVar aggregate classification (germline): Uncertain significance (1 of 4 stars; one submission).

Conditions:
Neurofibromatosis, type 1 (NF1). Also called: VON RECKLINGHAUSEN DISEASE; NEUROFIBROMATOSIS, TYPE I, SOMATIC; Peripheral type neurofibromatosis; Neurofibromatosis, type I. Identifiers: Orphanet 636, MedGen C0027831, MONDO:0018975, OMIM 162200. Disease mechanism: loss of function.

gnomAD v4.1: 1 of 1,613,064 alleles (0.000062%); highest among the groups gnomAD compares: Non-Finnish European, 0.000085%; no homozygotes.

Submission:

Labcorp Genetics (formerly Invitae), Labcorp
Classification: Uncertain significance for Neurofibromatosis, type 1. Last evaluated: 2018-07-20. Review status: criteria provided, single submitter. Criteria: Invitae Variant Classification Sherloc (09022015). Collection method: clinical testing. Allele origin: germline.
Comment: This sequence change replaces threonine with alanine at codon 586 of the NF1 protein (p.Thr586Ala). The threonine residue is moderately conserved and there is a small physicochemical difference between threonine and alanine. This variant is not present in population databases (ExAC no frequency). This variant has not been reported in the literature in individuals with NF1-related disease. Algorithms developed to predict the effect of missense changes on protein structure and function (SIFT, PolyPhen-2, Align-GVGD) all suggest that this variant is likely to be tolerated, but these predictions have not been confirmed by published functional studies and their clinical significance is uncertain. In summary, the available evidence is currently insufficient to determine the role of this variant in disease. Therefore, it has been classified as a Variant of Uncertain Significance.

NM_001042492.3(NF1):c.1756A>G (p.Thr586Ala)

Gene: NF1 (neurofibromin 1; plus strand). Cytogenetic location: 17q11.2.
Variant type: single nucleotide variant.
Coding change: c.1756A>G on transcript NM_001042492.3 (MANE Select); coding-DNA position 1756, A replaced by G.
Protein change: p.Thr586Ala; replaces threonine 586 with alanine.
Molecular consequence: missense variant.
Genome position (GRCh38, 1-based): chr17:31,223,478, A>G. VCF-style: chr17-31223478-A-G. GRCh37 (hg19) VCF-style: chr17-29550496-A-G.
Other names: c.1756A>G, p.Thr586Ala (NM_000267.4); short protein forms T586A.
Identifiers: ClinVar variation 666086 (VCV000666086.5), dbSNP rs876659242, ClinGen allele CA399004154.